The following is an entry in ClinVar:

NC_000016.9:g.(?_77317853)_(77317968_?)del

Gene: ADAMTS18 (ADAM metallopeptidase with thrombospondin type 1 motif 18; minus strand). Cytogenetic location: 16q23.1.
Variant type: Deletion.
Identifiers: ClinVar variation 1052647 (VCV001052647.4).

ClinVar aggregate classification (germline): Uncertain significance (1 of 4 stars; one submission).

Submission:

Labcorp Genetics (formerly Invitae), Labcorp
Classification: Uncertain significance. Last evaluated: 2020-06-24. Review status: criteria provided, single submitter. Criteria: Invitae Variant Classification Sherloc (09022015). Collection method: clinical testing. Allele origin: germline.
Comment: This variant is a gross deletion of the genomic region encompassing exon 23 of the ADAMTS18 gene. The 5' boundary is likely confined to intron 22. The 3' end of this event is unknown as it extends through the termination codon beyond the assayed region for this gene and may encompass additional genes. While this deletion is not anticipated to result in nonsense mediated decay, it is expected to create a truncated protein product or disrupt mRNA translation. This variant has not been reported in the literature in individuals with ADAMTS18-related conditions. In summary, the available evidence is currently insufficient to determine the role of this variant in disease. Therefore, it has been classified as a Variant of Uncertain Significance.